The following is an entry in ClinVar:

ClinVar aggregate classification (germline): Uncertain significance (1 of 4 stars; one submission).

Submission:

Labcorp Genetics (formerly Invitae), Labcorp
Classification: Uncertain significance. Last evaluated: 2023-10-13. Review status: criteria provided, single submitter. Criteria: Invitae Variant Classification Sherloc (09022015). Collection method: clinical testing. Allele origin: germline.
Comment: This sequence change replaces proline, which is neutral and non-polar, with threonine, which is neutral and polar, at codon 1656 of the POLE protein (p.Pro1656Thr). This variant is not present in population databases (gnomAD no frequency). This variant has not been reported in the literature in individuals affected with POLE-related conditions. Advanced modeling of protein sequence and biophysical properties (such as structural, functional, and spatial information, amino acid conservation, physicochemical variation, residue mobility, and thermodynamic stability) performed at Invitae indicates that this missense variant is expected to disrupt POLE protein function. In summary, the available evidence is currently insufficient to determine the role of this variant in disease. Therefore, it has been classified as a Variant of Uncertain Significance.

NM_006231.4(POLE):c.4966C>A (p.Pro1656Thr)

Gene: POLE (DNA polymerase epsilon, catalytic subunit; minus strand). Cytogenetic location: 12q24.33.
Variant type: single nucleotide variant.
Coding change: c.4966C>A on transcript NM_006231.4 (MANE Select); coding-DNA position 4966, C replaced by A.
Protein change: p.Pro1656Thr; replaces proline 1656 with threonine.
Molecular consequence: missense variant.
Genome position (GRCh38, 1-based): chr12:132,642,384, G>T on the plus strand (C>A on the coding strand, the complement: POLE is on the minus strand). VCF-style: chr12-132642384-G-T. GRCh37 (hg19) VCF-style: chr12-133218970-G-T.
Other names: short protein forms P1656T.
Identifiers: ClinVar variation 2915983 (VCV002915983.3), dbSNP rs2541884750, ClinGen allele CA387377653.